The following is an entry in ClinVar:

ClinVar aggregate classification (germline): Pathogenic (1 of 4 stars; one submission).

Conditions:
Fanconi anemia complementation group O. Also called: RAD51C-Related Fanconi Anemia. Identifiers: Orphanet 84, MedGen C3150653, MONDO:0013248, OMIM 613390.

Submission:

Labcorp Genetics (formerly Invitae), Labcorp
Classification: Pathogenic for Fanconi anemia, complementation group O. Last evaluated: 2015-01-17. Review status: criteria provided, single submitter. Criteria: Invitae Variant Classification Sherloc (09022015). Collection method: clinical testing. Allele origin: germline.
Comment: A gross deletion of the genomic region encompassing the full coding sequence of the RAD51C gene has been identified. While whole gene deletion in RAD51C have not been reported in the literature, loss of function mutations in RAD51C are known to be pathogenic (PMID: 20400964, 21990120, 24800917). For these reasons, this variant has been classified as Pathogenic.

NM_058216.1(RAD51C):c.(?_-1)_(*1_?)del

Gene: RAD51C (RAD51 paralog C; plus strand). Cytogenetic location: 17q22.
Variant type: Deletion.
Coding change: c.(?_-1)_(*1_?)del on transcript NM_058216.1; a large deletion whose breakpoints are not mapped to the base.
Other names: c.(?_-1)_(*1_?)del (LRG_314t1).
Identifiers: ClinVar variation 216131 (VCV000216131.1).